The following is an entry in ClinVar:

NM_002156.5(HSPD1):c.1215+5C>T

Gene: HSPD1 (heat shock protein family D (Hsp60) member 1; minus strand). Cytogenetic location: 2q33.1.
Variant type: single nucleotide variant.
Coding change: c.1215+5C>T on transcript NM_002156.5 (MANE Select); 5 bases into the intron after coding-DNA position 1215, C replaced by T.
Molecular consequence: intron variant.
Genome position (GRCh38, 1-based): chr2:197,488,997, G>A on the plus strand (C>T on the coding strand, the complement: HSPD1 is on the minus strand). VCF-style: chr2-197488997-G-A. GRCh37 (hg19) VCF-style: chr2-198353721-G-A.
Other names: c.1215+5C>T (NM_199440.2).
Identifiers: ClinVar variation 4766408 (VCV004766408.1).

ClinVar aggregate classification (germline): Uncertain significance (1 of 4 stars; one submission).

Conditions:
Spastic paraplegia. Identifiers: MedGen C0037772, HP:0001258.

gnomAD v4.1: 1 of 1,613,902 alleles (0.000062%); highest among the groups gnomAD compares: Admixed American, 0.0017%; no homozygotes.

Submission:

Labcorp Genetics (formerly Invitae), Labcorp
Classification: Uncertain significance for Spastic paraplegia. Last evaluated: 2025-11-11. Review status: criteria provided, single submitter. Criteria: Invitae Variant Classification Sherloc (09022015). Collection method: clinical testing. Allele origin: germline.
Comment: This sequence change falls in intron 9 of the HSPD1 gene. It does not directly change the encoded amino acid sequence of the HSPD1 protein. It affects a nucleotide within the consensus splice site. This variant is present in population databases (no rsID available, gnomAD 0.003%). This variant has not been reported in the literature in individuals affected with HSPD1-related conditions. Variants that disrupt the consensus splice site are a relatively common cause of aberrant splicing (PMID: 17576681, 9536098). Algorithms developed to predict the effect of sequence changes on RNA splicing suggest that this variant is not likely to affect RNA splicing. In summary, the available evidence is currently insufficient to determine the role of this variant in disease. Therefore, it has been classified as a Variant of Uncertain Significance.

Literature cited by the submitters: PubMed 17576681; PubMed 9536098.